The following is an entry in ClinVar:

ClinVar aggregate classification (germline): Likely pathogenic (1 of 4 stars; one submission).

Submission:

GeneDx
Classification: Likely pathogenic. Last evaluated: 2019-07-19. Review status: criteria provided, single submitter. Criteria: GeneDx Variant Classification Process June 2021. Collection method: clinical testing. Allele origin: germline. Affected: yes.
Comment: Has not been previously published as pathogenic or benign to our knowledge; Not observed in large population cohorts (Lek et al., 2016); In silico analysis, which includes protein predictors and evolutionary conservation, supports a deleterious effect

NM_182760.4(SUMF1):c.539G>T (p.Trp180Leu)

Gene: SUMF1 (sulfatase modifying factor 1; minus strand). Cytogenetic location: 3p26.1.
Variant type: single nucleotide variant.
Coding change: c.539G>T on transcript NM_182760.4 (MANE Select); coding-DNA position 539, G replaced by T.
Protein change: p.Trp180Leu; replaces tryptophan 180 with leucine.
Molecular consequence: missense variant.
Genome position (GRCh38, 1-based): chr3:4,420,127, C>A on the plus strand (G>T on the coding strand, the complement: SUMF1 is on the minus strand). VCF-style: chr3-4420127-C-A. GRCh37 (hg19) VCF-style: chr3-4461811-C-A.
Other names: c.464G>T, p.Trp155Leu (NM_001164674.2); c.539G>T, p.Trp180Leu (NM_001164675.2); short protein forms W155L, W180L.
Identifiers: ClinVar variation 1189647 (VCV001189647.2), dbSNP rs1419925001, ClinGen allele CA351632999.